The following is an entry in ClinVar:

NM_004813.4(PEX16):c.359A>T (p.Lys120Met)

Gene: PEX16 (peroxisomal biogenesis factor 16; minus strand). Cytogenetic location: 11p11.2.
Variant type: single nucleotide variant.
Coding change: c.359A>T on transcript NM_004813.4 (MANE Select); coding-DNA position 359, A replaced by T.
Protein change: p.Lys120Met; replaces lysine 120 with methionine.
Molecular consequence: missense variant.
Genome position (GRCh38, 1-based): chr11:45,915,703, T>A on the plus strand (A>T on the coding strand, the complement: PEX16 is on the minus strand). VCF-style: chr11-45915703-T-A. GRCh37 (hg19) VCF-style: chr11-45937254-T-A.
Other names: c.359A>T, p.Lys120Met (NM_057174.3); short protein forms K120M.
Identifiers: ClinVar variation 1461409 (VCV001461409.8), dbSNP rs1431364536, ClinGen allele CA380228413.
Genomic context (GRCh38, chr11:45,915,703, plus strand): 5'-CATCTGTGTAGCTAGCCTGCGTCACCCCCACCCAGGACCCTCTCCACAATCCCAACCTAC[T>A]TGGCCAGCTGGACGAGGGCGATGACAAGCCAGCGGCCCACTTCACCCCACACCTTGGCAG-3'
Protein context (NP_004804.2, residues 110-130): WLVIALVQLA[Lys120Met]AVLRMLLLLW

ClinVar aggregate classification (germline): Uncertain significance (1 of 4 stars; one submission).

Conditions:
Peroxisome biogenesis disorder. Identifiers: Orphanet 79189, MedGen C1832200, MONDO:0019234. Disease mechanism: loss of function.

Submission:

Labcorp Genetics (formerly Invitae), Labcorp
Classification: Uncertain significance for Peroxisome biogenesis disorder. Last evaluated: 2020-12-17. Review status: criteria provided, single submitter. Criteria: Invitae Variant Classification Sherloc (09022015). Collection method: clinical testing. Allele origin: germline.
Comment: In summary, the available evidence is currently insufficient to determine the role of this variant in disease. Therefore, it has been classified as a Variant of Uncertain Significance. Algorithms developed to predict the effect of sequence changes on RNA splicing suggest that this variant may disrupt the consensus splice site, but this prediction has not been confirmed by published transcriptional studies. Algorithms developed to predict the effect of missense changes on protein structure and function are either unavailable or do not agree on the potential impact of this missense change (SIFT: "Deleterious"; PolyPhen-2: "Probably Damaging"; Align-GVGD: "Class C15"). This variant has not been reported in the literature in individuals with PEX16-related conditions. This variant is not present in population databases (ExAC no frequency). This sequence change replaces lysine with methionine at codon 120 of the PEX16 protein (p.Lys120Met). The lysine residue is highly conserved and there is a moderate physicochemical difference between lysine and methionine.